The following is an entry in ClinVar:

NM_002618.4(PEX13):c.1090G>A (p.Ala364Thr)

Gene: PEX13 (peroxisomal biogenesis factor 13; plus strand). Cytogenetic location: 2p15.
Variant type: single nucleotide variant.
Coding change: c.1090G>A on transcript NM_002618.4 (MANE Select); coding-DNA position 1090, G replaced by A.
Protein change: p.Ala364Thr; replaces alanine 364 with threonine.
Molecular consequence: missense variant.
Genome position (GRCh38, 1-based): chr2:61,048,648, G>A. VCF-style: chr2-61048648-G-A. GRCh37 (hg19) VCF-style: chr2-61275783-G-A.
Other names: short protein forms A364T.
Identifiers: ClinVar variation 845472 (VCV000845472.6), dbSNP rs550344775, ClinGen allele CA1673430.

ClinVar aggregate classification (germline): Uncertain significance. Review status: criteria provided, multiple submitters, no conflicts (2 of 4 stars). 2 submissions from 2 submitters: Uncertain significance (2). Last evaluated 2025-03-08.

Conditions:
Inborn genetic diseases. Identifiers: MedGen C0950123, MeSH D030342.
Peroxisome biogenesis disorder 11A (Zellweger). Also called: Peroxisome biogenesis disorder 11A. Identifiers: Orphanet 912, MedGen C3554000, MONDO:0013949, OMIM 614883.

Allele frequency attached by ClinVar (database versions not stated): TOPMed 0.00005.
gnomAD v4.1: 102 of 1,613,938 alleles (0.0063%); highest among the groups gnomAD compares: Non-Finnish European, 0.0069%; no homozygotes.

Submissions (2):

Ambry Genetics
Classification: Uncertain significance for Inborn genetic diseases. Last evaluated: 2025-03-08. Review status: criteria provided, single submitter. Criteria: Ambry Variant Classification Scheme 2023. Collection method: clinical testing. Allele origin: germline.

Labcorp Genetics (formerly Invitae), Labcorp
Classification: Uncertain significance for Peroxisome biogenesis disorder 11A (Zellweger). Last evaluated: 2022-08-19. Review status: criteria provided, single submitter. Criteria: Invitae Variant Classification Sherloc (09022015). Collection method: clinical testing. Allele origin: germline.
Comment: This sequence change replaces alanine, which is neutral and non-polar, with threonine, which is neutral and polar, at codon 364 of the PEX13 protein (p.Ala364Thr). This variant is present in population databases (rs550344775, gnomAD 0.03%). This variant has not been reported in the literature in individuals affected with PEX13-related conditions. ClinVar contains an entry for this variant (Variation ID: 845472). Algorithms developed to predict the effect of missense changes on protein structure and function output the following: SIFT: "Tolerated"; PolyPhen-2: "Benign"; Align-GVGD: "Class C0". The threonine amino acid residue is found in multiple mammalian species, which suggests that this missense change does not adversely affect protein function. In summary, the available evidence is currently insufficient to determine the role of this variant in disease. Therefore, it has been classified as a Variant of Uncertain Significance.